The following is an entry in ClinVar:

NM_001375524.1(TRRAP):c.3599A>G (p.Asn1200Ser)

Gene: TRRAP (transformation/transcription domain associated protein; plus strand). Cytogenetic location: 7q22.1.
Variant type: single nucleotide variant.
Coding change: c.3599A>G on transcript NM_001375524.1 (MANE Select); coding-DNA position 3599, A replaced by G.
Protein change: p.Asn1200Ser; replaces asparagine 1200 with serine.
Molecular consequence: missense variant.
Genome position (GRCh38, 1-based): chr7:98,931,412, A>G. VCF-style: chr7-98931412-A-G. GRCh37 (hg19) VCF-style: chr7-98529035-A-G.
Other names: c.3599A>G, p.Asn1200Ser (NM_001244580.2, NM_003496.4); short protein forms N1200S.
Identifiers: ClinVar variation 1930071 (VCV001930071.6), dbSNP rs375619933, ClinGen allele CA4360034.

ClinVar aggregate classification (germline): Conflicting classifications of pathogenicity. Review status: criteria provided, conflicting classifications (1 of 4 stars). 2 submissions from 2 submitters: Uncertain significance (1); Likely benign (1). Last evaluated 2024-07-16.

Conditions:
Inborn genetic diseases. Identifiers: MedGen C0950123, MeSH D030342.

Allele frequency attached by ClinVar (database versions not stated): ExAC 0.00003; gnomAD exomes 0.00003; TOPMed 0.00005; gnomAD 0.00006; ESP Exome Variant Server 0.00008.
gnomAD v4.1: 49 of 1,613,278 alleles (0.003%); highest among the groups gnomAD compares: African/African-American, 0.0067%; no homozygotes.

Submissions (2):

Labcorp Genetics (formerly Invitae), Labcorp
Classification: Uncertain significance. Last evaluated: 2024-07-16. Review status: criteria provided, single submitter. Criteria: Invitae Variant Classification Sherloc (09022015). Collection method: clinical testing. Allele origin: germline.
Comment: This sequence change replaces asparagine, which is neutral and polar, with serine, which is neutral and polar, at codon 1200 of the TRRAP protein (p.Asn1200Ser). This variant is present in population databases (rs375619933, gnomAD 0.004%). This variant has not been reported in the literature in individuals affected with TRRAP-related conditions. ClinVar contains an entry for this variant (Variation ID: 1930071). Advanced modeling of protein sequence and biophysical properties (such as structural, functional, and spatial information, amino acid conservation, physicochemical variation, residue mobility, and thermodynamic stability) performed at Invitae indicates that this missense variant is not expected to disrupt TRRAP protein function with a negative predictive value of 80%. In summary, the available evidence is currently insufficient to determine the role of this variant in disease. Therefore, it has been classified as a Variant of Uncertain Significance.

Ambry Genetics
Classification: Likely benign for Inborn genetic diseases. Last evaluated: 2022-12-28. Review status: criteria provided, single submitter. Criteria: Ambry Variant Classification Scheme 2023. Collection method: clinical testing. Allele origin: germline.